The following is an entry in ClinVar:

NM_004984.4(KIF5A):c.2621C>G (p.Ala874Gly)

Gene: KIF5A (kinesin family member 5A; plus strand). Cytogenetic location: 12q13.3.
Variant type: single nucleotide variant.
Coding change: c.2621C>G on transcript NM_004984.4 (MANE Select); coding-DNA position 2621, C replaced by G.
Protein change: p.Ala874Gly; replaces alanine 874 with glycine.
Molecular consequence: missense variant.
Genome position (GRCh38, 1-based): chr12:57,581,038, C>G. VCF-style: chr12-57581038-C-G. GRCh37 (hg19) VCF-style: chr12-57974821-C-G.
Other names: c.2354C>G, p.Ala785Gly (NM_001354705.2); short protein forms A785G, A874G.
Identifiers: ClinVar variation 2881615 (VCV002881615.3), dbSNP rs748759066, ClinGen allele CA385515145.
Genomic context (GRCh38, chr12:57,581,038, plus strand): 5'-TGCGTTGTGAGCTTCCTAAATTGGAAAAACGACTTAGGGCTACGGCTGAGAGAGTTAAGG[C>G]CCTGGAGGGTGCACTGAAGGAGGCCAAGGAGGGCGCCATGAAGGACAAGCGCCGGTACCA-3'
Protein context (NP_004975.2, residues 864-884): RLRATAERVK[Ala874Gly]LEGALKEAKE

ClinVar aggregate classification (germline): Uncertain significance (1 of 4 stars; one submission).

Conditions:
Spastic paraplegia. Identifiers: MedGen C0037772, HP:0001258.

gnomAD v4.1: 1 of 1,614,064 alleles (0.000062%); highest among the groups gnomAD compares: Admixed American, 0.0017%; no homozygotes.

Submission:

Labcorp Genetics (formerly Invitae), Labcorp
Classification: Uncertain significance for Spastic paraplegia. Last evaluated: 2023-08-07. Review status: criteria provided, single submitter. Criteria: Invitae Variant Classification Sherloc (09022015). Collection method: clinical testing. Allele origin: germline.
Comment: In summary, the available evidence is currently insufficient to determine the role of this variant in disease. Therefore, it has been classified as a Variant of Uncertain Significance. Advanced modeling of protein sequence and biophysical properties (such as structural, functional, and spatial information, amino acid conservation, physicochemical variation, residue mobility, and thermodynamic stability) has been performed at Invitae for this missense variant, however the output from this modeling did not meet the statistical confidence thresholds required to predict the impact of this variant on KIF5A protein function. This variant has not been reported in the literature in individuals affected with KIF5A-related conditions. This variant is present in population databases (no rsID available, gnomAD 0.003%). This sequence change replaces alanine, which is neutral and non-polar, with glycine, which is neutral and non-polar, at codon 874 of the KIF5A protein (p.Ala874Gly).